The following is an entry in ClinVar:

ClinVar aggregate classification (germline): Uncertain significance (1 of 4 stars; one submission).

Allele frequency attached by ClinVar (database versions not stated): gnomAD exomes below 0.00001.
gnomAD v4.1: 1 of 1,207,356 alleles (0.000083%); highest among the groups gnomAD compares: Non-Finnish European, 0.00011%; no homozygotes.

Submission:

CeGaT Center for Human Genetics Tuebingen
Classification: Uncertain significance. Last evaluated: 2023-05-01. Review status: criteria provided, single submitter. Criteria: CeGaT Center For Human Genetics Tuebingen Variant Classification Criteria Version 2. Collection method: clinical testing. Allele origin: germline. Affected: yes. Observed: 1 variant allele.
Comment: CYBB: PM2

NM_000397.4(CYBB):c.1658A>G (p.Asn553Ser)

Gene: CYBB (cytochrome b-245 beta chain; plus strand). Cytogenetic location: Xp11.4.
Variant type: single nucleotide variant.
Coding change: c.1658A>G on transcript NM_000397.4 (MANE Select); coding-DNA position 1658, A replaced by G.
Protein change: p.Asn553Ser; replaces asparagine 553 with serine.
Molecular consequence: missense variant.
Genome position (GRCh38, 1-based): chrX:37,810,862, A>G. VCF-style: chrX-37810862-A-G. GRCh37 (hg19) VCF-style: chrX-37670115-A-G.
Other names: short protein forms N553S.
Identifiers: ClinVar variation 2660287 (VCV002660287.24), dbSNP rs2519214439, ClinGen allele CA412978791.